The following is an entry in ClinVar:

NM_000537.4(REN):c.356G>A (p.Arg119His)

Gene: REN (renin; minus strand). Cytogenetic location: 1q32.1.
Variant type: single nucleotide variant.
Coding change: c.356G>A on transcript NM_000537.4 (MANE Select); coding-DNA position 356, G replaced by A.
Protein change: p.Arg119His; replaces arginine 119 with histidine.
Molecular consequence: missense variant.
Genome position (GRCh38, 1-based): chr1:204,161,309, C>T on the plus strand (G>A on the coding strand, the complement: REN is on the minus strand). VCF-style: chr1-204161309-C-T. GRCh37 (hg19) VCF-style: chr1-204130437-C-T.
Other names: short protein forms R119H.
Identifiers: ClinVar variation 1939832 (VCV001939832.8), dbSNP rs376156157, ClinGen allele CA1344975.

ClinVar aggregate classification (germline): Uncertain significance. Review status: criteria provided, multiple submitters, no conflicts (2 of 4 stars). 3 submissions from 3 submitters: Uncertain significance (2). 1 of the submissions does not count toward it. Last evaluated 2022-09-18.

Conditions:
REN-related disorder. Also called: REN-related condition.
Inborn genetic diseases. Identifiers: MedGen C0950123, MeSH D030342.

Allele frequency attached by ClinVar (database versions not stated): gnomAD exomes 0.00003; ExAC 0.00004; TOPMed 0.00004; ESP Exome Variant Server 0.00008; gnomAD 0.00003.

Submissions (3):

Labcorp Genetics (formerly Invitae), Labcorp
Classification: Uncertain significance. Last evaluated: 2022-09-18. Review status: criteria provided, single submitter. Criteria: Invitae Variant Classification Sherloc (09022015). Collection method: clinical testing. Allele origin: germline.
Comment: In summary, the available evidence is currently insufficient to determine the role of this variant in disease. Therefore, it has been classified as a Variant of Uncertain Significance. Advanced modeling of protein sequence and biophysical properties (such as structural, functional, and spatial information, amino acid conservation, physicochemical variation, residue mobility, and thermodynamic stability) performed at Invitae indicates that this missense variant is not expected to disrupt REN protein function. This variant has not been reported in the literature in individuals affected with REN-related conditions. This variant is present in population databases (rs376156157, gnomAD 0.02%). This sequence change replaces arginine, which is basic and polar, with histidine, which is basic and polar, at codon 119 of the REN protein (p.Arg119His).

Ambry Genetics
Classification: Uncertain significance for Inborn genetic diseases. Last evaluated: 2022-09-06. Review status: criteria provided, single submitter. Criteria: Ambry Variant Classification Scheme 2023. Collection method: clinical testing. Allele origin: germline.

PreventionGenetics, part of Exact Sciences
Classification: Uncertain significance for REN-related condition. Last evaluated: 2023-12-21. Review status: no assertion criteria provided. Collection method: clinical testing. Allele origin: germline. Not counted in ClinVar's aggregate classification.
Comment: The REN c.356G>A variant is predicted to result in the amino acid substitution p.Arg119His. To our knowledge, this variant has not been reported in the literature. This variant is reported in 0.015% of alleles in individuals of East Asian descent in gnomAD. At this time, the clinical significance of this variant is uncertain due to the absence of conclusive functional and genetic evidence.